The following is an entry in ClinVar:

NM_152393.4(KLHL40):c.818dup (p.Lys275fs)

Gene: KLHL40 (kelch like family member 40; plus strand). Cytogenetic location: 3p22.1.
Variant type: Duplication.
Coding change: c.818dup on transcript NM_152393.4 (MANE Select); coding-DNA position 818, one base duplicated (A; older notation c.818dupA).
Protein change: p.Lys275fs; shifts the reading frame from lysine 275.
Molecular consequence: frameshift variant.
Genome position (GRCh38, 1-based): chr3:42,686,436, A duplicated; the last of 2 consecutive A bases (chr3:42,686,435-42,686,436); duplicating either gives the same sequence. VCF-style (leftmost placement, unchanged base first): chr3-42686434-G-GA. GRCh37 (hg19) VCF-style: chr3-42727926-G-GA.
Other names: short protein forms K275fs.
Identifiers: ClinVar variation 650910 (VCV000650910.5), dbSNP rs1575218831, ClinGen allele CA915942430.

ClinVar aggregate classification (germline): Pathogenic (1 of 4 stars; one submission).

Conditions:
Nemaline myopathy 8 (NEM8). Also called: Nemaline myopathy 8, autosomal recessive. Identifiers: Orphanet 171430, MedGen C3809209, MONDO:0014138, OMIM 615348.

Submission:

Labcorp Genetics (formerly Invitae), Labcorp
Classification: Pathogenic for Nemaline myopathy 8. Last evaluated: 2025-10-02. Review status: criteria provided, single submitter. Criteria: Invitae Variant Classification Sherloc (09022015). Collection method: clinical testing. Allele origin: germline.
Comment: This sequence change creates a premature translational stop signal (p.Lys275Glufs*10) in the KLHL40 gene. It is expected to result in an absent or disrupted protein product. Loss-of-function variants in KLHL40 are known to be pathogenic (PMID: 23746549). This variant is not present in population databases (gnomAD no frequency). This variant has not been reported in the literature in individuals affected with KLHL40-related conditions. ClinVar contains an entry for this variant (Variation ID: 650910). For these reasons, this variant has been classified as Pathogenic.

Literature cited by the submitters: PubMed 23746549.